The following is an entry in ClinVar:

ClinVar aggregate classification (germline): Likely benign. Review status: criteria provided, single submitter (1 of 4 stars). 2 submissions from 2 submitters: Likely benign (1). 1 of the submissions does not count toward it. Last evaluated 2025-11-28.

Conditions:
PCNT-related disorder. Also called: PCNT-related condition.

Allele frequency attached by ClinVar (database versions not stated): gnomAD 0.00002; TOPMed 0.00002; 1000 Genomes Project 30x 0.00016; 1000 Genomes Project 0.00020.
gnomAD v4.1: 30 of 1,549,540 alleles (0.0019%); highest among the groups gnomAD compares: South Asian, 0.0095%; no homozygotes.

Submissions (2):

Labcorp Genetics (formerly Invitae), Labcorp
Classification: Likely benign. Last evaluated: 2025-11-28. Review status: criteria provided, single submitter. Criteria: Invitae Variant Classification Sherloc (09022015). Collection method: clinical testing. Allele origin: germline.

PreventionGenetics, part of Exact Sciences
Classification: Likely benign for PCNT-related condition. Last evaluated: 2023-03-10. Review status: no assertion criteria provided. Collection method: clinical testing. Allele origin: germline. Not counted in ClinVar's aggregate classification.
Comment: This variant is classified as likely benign based on ACMG/AMP sequence variant interpretation guidelines (Richards et al. 2015 PMID: 25741868, with internal and published modifications).

NM_006031.6(PCNT):c.4200C>T (p.Ala1400=)

Gene: PCNT (pericentrin; plus strand). Cytogenetic location: 21q22.3.
Variant type: single nucleotide variant.
Coding change: c.4200C>T on transcript NM_006031.6 (MANE Select); coding-DNA position 4200, C replaced by T.
Protein change: p.Ala1400=; no amino-acid change (alanine 1400 retained).
Molecular consequence: synonymous variant.
Genome position (GRCh38, 1-based): chr21:46,391,360, C>T. VCF-style: chr21-46391360-C-T. GRCh37 (hg19) VCF-style: chr21-47811275-C-T.
Other names: c.4200C>T (NM_006031.5); c.3846C>T, p.Ala1282= (NM_001315529.2).
Identifiers: ClinVar variation 1957189 (VCV001957189.6), dbSNP rs542127778, ClinGen allele CA10079562.
Genomic context (GRCh38, chr21:46,391,360, plus strand): 5'-GGCGCTGAGGGAGGAGTGCACCCGTCTGTGGAGTCGGGGGGAGGCCACAGCCACGGACGC[C>T]GAGGCCAGAGAAGCTGGTAAGGAGCGCGGGCTGTGGAGGGTGGTGCGAGCTGTGGGGCGC-3'
Protein context (NP_006022.3, residues 1390-1410): WSRGEATATD[Ala1400=]EAREAALRKE